The following is an entry in ClinVar:

ClinVar aggregate classification (germline): Conflicting classifications of pathogenicity. Review status: criteria provided, conflicting classifications (1 of 4 stars). 6 submissions from 6 submitters: Uncertain significance (1); Benign (1); Likely benign (3). 1 of the submissions does not count toward it. Last evaluated 2025-11-06.

Conditions:
Inborn genetic diseases. Identifiers: MedGen C0950123, MeSH D030342.
Cerebral cavernous malformation (CCM). Also called: Cerebral cavernous malformations; CAVERNOUS ANGIOMA, FAMILIAL; CAVERNOUS ANGIOMATOUS MALFORMATIONS; CEREBRAL CAPILLARY MALFORMATIONS; Cavernous Hemangioma of Brain; Cerebral cavernous hemangioma (type). Identifiers: Orphanet 221061, MedGen C2919945, MONDO:0000820, OMIM 116860, HP:0033522.
KRIT1-related disorder. Also called: KRIT1-related condition; KRIT1-related disorders.

Allele frequency attached by ClinVar (database versions not stated): gnomAD exomes 0.00022 and 0.00059; ExAC 0.00069; ESP Exome Variant Server 0.00215; 1000 Genomes Project 30x 0.00219; 1000 Genomes Project 0.00220; gnomAD 0.00236 and 0.00264; TOPMed 0.00260.
gnomAD v4.1: 676 of 1,554,152 alleles (0.043%); highest among the groups gnomAD compares: African/African-American, 0.84%; 1 homozygote.

Submissions (9):

Labcorp Genetics (formerly Invitae), Labcorp
Classification: Benign for Cerebral cavernous malformation. Last evaluated: 2025-11-06. Review status: criteria provided, single submitter. Criteria: Invitae Variant Classification Sherloc (09022015). Collection method: clinical testing. Allele origin: germline.

Mayo Clinic Laboratories, Mayo Clinic
Classification: Likely benign. Last evaluated: 2025-07-15. Review status: criteria provided, single submitter. Criteria: ACMG Guidelines, 2015. Collection method: clinical testing. Allele origin: germline. Observed: 3 variant alleles.
Comment: BS1, BP4_moderate

Blueprint Genetics
Classification: Likely benign. Last evaluated: 2024-06-11. Review status: criteria provided, single submitter. Criteria: ACMG Guidelines, 2015. Collection method: clinical testing. Allele origin: germline.

Ambry Genetics
Classification: Likely benign for Inborn genetic diseases. Last evaluated: 2022-08-16. Review status: criteria provided, single submitter. Criteria: Ambry Variant Classification Scheme 2023. Collection method: clinical testing. Allele origin: germline.

GeneDx
Classification: Uncertain significance. Last evaluated: 2022-03-03. Review status: criteria provided, single submitter. Criteria: GeneDx Variant Classification Process June 2021. Collection method: clinical testing. Allele origin: germline. Affected: yes.
Comment: In silico analysis supports that this missense variant does not alter protein structure/function; Has not been previously published as pathogenic or benign to our knowledge

PreventionGenetics, part of Exact Sciences
Classification: Likely benign for KRIT1-related condition. Last evaluated: 2019-02-22. Review status: no assertion criteria provided. Collection method: clinical testing. Allele origin: germline. Not counted in ClinVar's aggregate classification.
Comment: This variant is classified as likely benign based on ACMG/AMP sequence variant interpretation guidelines (Richards et al. 2015 PMID: 25741868, with internal and published modifications).

Dr. Peter K. Rogan Lab, Western University
No classification provided (evidence only). Condition: Uterine corpus endometrial carcinoma. Review status: no classification provided. Collection method: in vitro. Allele origin: not applicable. Functional consequence: retained intron. Not counted in ClinVar's aggregate classification.

Dr. Peter K. Rogan Lab, Western University
No classification provided (evidence only). Condition: Sarcoma. Review status: no classification provided. Collection method: in vitro. Allele origin: not applicable. Functional consequence: retained intron. Not counted in ClinVar's aggregate classification.

Dr. Peter K. Rogan Lab, Western University
No classification provided (evidence only). Condition: Ovarian serous cystadenocarcinoma. Review status: no classification provided. Collection method: in vitro. Allele origin: not applicable. Functional consequence: retained intron. Not counted in ClinVar's aggregate classification.

NM_194454.3(KRIT1):c.2044A>C (p.Lys682Gln)

Gene: KRIT1 (KRIT1 ankyrin repeat containing; minus strand). Cytogenetic location: 7q21.2.
Variant type: single nucleotide variant.
Coding change: c.2044A>C on transcript NM_194454.3 (MANE Select); coding-DNA position 2044, A replaced by C.
Protein change: p.Lys682Gln; replaces lysine 682 with glutamine.
Molecular consequence: missense variant.
Genome position (GRCh38, 1-based): chr7:92,201,405, T>G on the plus strand (A>C on the coding strand, the complement: KRIT1 is on the minus strand). VCF-style: chr7-92201405-T-G. GRCh37 (hg19) VCF-style: chr7-91830719-T-G.
Other names: p.Lys682Gln; c.1900A>C, p.Lys634Gln (NM_001013406.2, NM_001350669.1, NM_001350670.1); c.1330A>C, p.Lys444Gln (NM_001350671.1); c.2044A>C, p.Lys682Gln (NM_001350672.1, NM_001350673.1, NM_001350674.1 and 26 more transcripts); short protein forms K634Q, K444Q, K682Q.
Identifiers: ClinVar variation 702794 (VCV000702794.18), dbSNP rs138763545, ClinGen allele CA4338964.
Genomic context (GRCh38, chr7:92,201,405, plus strand): 5'-TGCTATGGATCTGAAAACAAGTATCAGTATCTCCCAATTGCCACATAAAACAACCATACT[T>G]AAGACTGATGAGTAAAGCCTGCAACATAATTGGAAACAACTATATTGAAATACATATTAA-3'
Protein context (NP_919436.1, residues 672-692): METKALLISL[Lys682Gln]YGCFMWQLGD